The following is an entry in ClinVar:

ClinVar aggregate classification (germline): Conflicting classifications of pathogenicity. Review status: criteria provided, conflicting classifications (1 of 4 stars). 7 submissions from 7 submitters: Uncertain significance (4); Likely benign (3). Last evaluated 2025-12-29.

Conditions:
Cardiovascular phenotype. Identifiers: MedGen CN230736.
Arrhythmogenic right ventricular cardiomyopathy (ARVD). Also called: Arrhythmogenic cardiomyopathy; Arrhythmogenic Right Ventricular Cardiomyopathy (ARVC); Cardiomyopathy, ARVC; Arrhythmogenic right ventricular dysplasia. Identifiers: Orphanet 247, MedGen C0349788, MeSH D019571, MONDO:0016587. Disease mechanism: loss of function. Inheritance: Various modes of inheritance.
Cardiomyopathy (CMYO). Also called: Cardiomyopathies. Identifiers: Orphanet 167848, MedGen C0878544, MONDO:0004994, HP:0001638. Inheritance: Various modes of inheritance.
Arrhythmogenic right ventricular dysplasia 10. Also called: Arrhythmogenic right ventricular dysplasia/cardiomyopathy, type 10; Arrhythmogenic Right Ventricular Dysplasia/Cardiomyopathy10; ARRHYTHMOGENIC RIGHT VENTRICULAR DYSPLASIA, FAMILIAL, 10. Identifiers: MedGen C1857777, MONDO:0012434, OMIM 610193.

Allele frequency attached by ClinVar (database versions not stated): gnomAD exomes 0.00001 and 0.00003; ExAC 0.00003; ESP Exome Variant Server 0.00008; gnomAD 0.00010 and 0.00011; TOPMed 0.00014.
gnomAD v4.1: 37 of 1,613,972 alleles (0.0023%); highest among the groups gnomAD compares: African/African-American, 0.047%; no homozygotes.

Submissions (7):

Labcorp Genetics (formerly Invitae), Labcorp
Classification: Uncertain significance for Arrhythmogenic right ventricular dysplasia 10. Last evaluated: 2025-12-29. Review status: criteria provided, single submitter. Criteria: Invitae Variant Classification Sherloc (09022015). Collection method: clinical testing. Allele origin: germline.
Comment: This sequence change replaces aspartic acid, which is acidic and polar, with glycine, which is neutral and non-polar, at codon 787 of the DSG2 protein (p.Asp787Gly). This variant is present in population databases (rs369868954, gnomAD 0.05%). This variant has not been reported in the literature in individuals affected with DSG2-related conditions. ClinVar contains an entry for this variant (Variation ID: 199832). Invitae Evidence Modeling of protein sequence and biophysical properties (such as structural, functional, and spatial information, amino acid conservation, physicochemical variation, residue mobility, and thermodynamic stability) indicates that this missense variant is not expected to disrupt DSG2 protein function with a negative predictive value of 95%. In summary, the available evidence is currently insufficient to determine the role of this variant in disease. Therefore, it has been classified as a Variant of Uncertain Significance.

Molecular Diagnostic Laboratory for Inherited Cardiovascular Disease, Montreal Heart Institute
Classification: Uncertain significance for Cardiovascular phenotype. Last evaluated: 2025-04-09. Review status: criteria provided, single submitter. Criteria: ACMG Guidelines, 2015. Collection method: clinical testing. Allele origin: germline. Affected: yes.

All of Us Research Program, National Institutes of Health
Classification: Likely benign for Arrhythmogenic right ventricular cardiomyopathy. Last evaluated: 2024-01-11. Review status: criteria provided, single submitter. Criteria: ACMG Guidelines, 2015. Collection method: clinical testing. Allele origin: germline. Inheritance: Autosomal dominant inheritance. Observed: 7 variant alleles, 7 heterozygotes.
Comment: This study involves interpretation of variants in research participants for the purpose of population health screening. Participant phenotype was not available at the time of variant classification. Additional details can be found in publication PMID: 35346344, PMCID: PMC8962531

Ambry Genetics
Classification: Likely benign for Cardiovascular phenotype. Last evaluated: 2021-10-21. Review status: criteria provided, single submitter. Criteria: Ambry Variant Classification Scheme 2023. Collection method: clinical testing. Allele origin: germline.

GeneDx
Classification: Uncertain significance. Last evaluated: 2021-08-23. Review status: criteria provided, single submitter. Criteria: GeneDx Variant Classification Process June 2021. Collection method: clinical testing. Allele origin: germline. Affected: yes.
Comment: Has not been previously published as pathogenic or benign to our knowledge; Reported in ClinVar (ClinVar Variant ID# 199832; Landrum et al., 2016); In silico analysis supports that this missense variant has a deleterious effect on protein structure/function; This variant is associated with the following publications: (PMID: 26582918)

Women's Health and Genetics/Laboratory Corporation of America, LabCorp
Classification: Uncertain significance. Last evaluated: 2019-11-18. Review status: criteria provided, single submitter. Criteria: LabCorp Variant Classification Summary - May 2015. Collection method: clinical testing. Allele origin: germline.
Comment: Variant summary: DSG2 c.2360A>G (p.Asp787Gly) results in a non-conservative amino acid change in the encoded protein sequence. Four of five in-silico tools predict a damaging effect of the variant on protein function. The variant allele was found at a frequency of 2.8e-05 in 249394 control chromosomes, predominantly at a frequency of 0.00045 within the African or African-American subpopulation in the gnomAD database. The available data on variant occurrences in the general population are insufficient to allow any conclusion about variant significance. To our knowledge, no occurrence of c.2360A>G in individuals affected with Cardiomyopathy and no experimental evidence demonstrating an impact on protein function have been reported. Two clinical diagnostic laboratories have submitted clinical-significance assessments for this variant to ClinVar after 2014 without evidence for independent evaluation. All laboratories classified the variant as uncertain significance. Based on the evidence outlined above, the variant was classified as uncertain significance.

Color Diagnostics, LLC DBA Color Health
Classification: Likely benign for Cardiomyopathy. Last evaluated: 2019-11-14. Review status: criteria provided, single submitter. Criteria: ACMG Guidelines, 2015. Collection method: clinical testing. Allele origin: germline.

NM_001943.5(DSG2):c.2360A>G (p.Asp787Gly)

Genes: DSG2 (desmoglein 2; plus strand), DSG2-AS1 (DSG2 antisense RNA 1; minus strand). Cytogenetic location: 18q12.1.
Variant type: single nucleotide variant.
Coding change: c.2360A>G on transcript NM_001943.5 (MANE Select); coding-DNA position 2360, A replaced by G.
Protein change: p.Asp787Gly; replaces aspartic acid 787 with glycine.
Molecular consequence: missense variant. On other transcripts: non-coding transcript variant (1).
Genome position (GRCh38, 1-based): chr18:31,545,746, A>G. VCF-style: chr18-31545746-A-G. GRCh37 (hg19) VCF-style: chr18-29125709-A-G.
Other names: p.D787G:GAT>GGT; c.2360A>G (LRG_397t1); short protein forms D787G.
Identifiers: ClinVar variation 199832 (VCV000199832.17), dbSNP rs369868954, ClinGen allele CA021762.